The following is an entry in ClinVar:

NM_000057.4(BLM):c.2212A>C (p.Thr738Pro)

Gene: BLM (BLM RecQ like helicase; plus strand). Cytogenetic location: 15q26.1.
Variant type: single nucleotide variant.
Coding change: c.2212A>C on transcript NM_000057.4 (MANE Select); coding-DNA position 2212, A replaced by C.
Protein change: p.Thr738Pro; replaces threonine 738 with proline.
Molecular consequence: missense variant.
Genome position (GRCh38, 1-based): chr15:90,766,928, A>C. VCF-style: chr15-90766928-A-C. GRCh37 (hg19) VCF-style: chr15-91310158-A-C.
Other names: c.2212A>C, p.Thr738Pro (NM_001287246.2, NM_001287247.2); c.1087A>C, p.Thr363Pro (NM_001287248.2); short protein forms T363P, T738P.
Identifiers: ClinVar variation 4687756 (VCV004687756.1).

ClinVar aggregate classification (germline): Uncertain significance (1 of 4 stars; one submission).

Submission:

Women's Health and Genetics/Laboratory Corporation of America, LabCorp
Classification: Uncertain significance. Last evaluated: 2025-10-27. Review status: criteria provided, single submitter. Criteria: LabCorp Variant Classification Summary - May 2015. Collection method: clinical testing. Allele origin: germline.
Comment: Variant summary: BLM c.2212A>C (p.Thr738Pro) results in a non-conservative amino acid change in the encoded protein sequence. Algorithms developed to predict the effect of missense changes on protein structure and function are either unavailable or do not agree on the potential impact of this missense change. The variant was absent in 249912 control chromosomes. The available data on variant occurrences in the general population are insufficient to allow any conclusion about variant significance. To our knowledge, no occurrence of c.2212A>C in individuals affected with BLM-related conditions and no experimental evidence demonstrating its impact on protein function have been reported. No submitters have cited clinical-significance assessments for this variant to ClinVar. Based on the evidence outlined above, the variant was classified as uncertain significance.